The following is an entry in ClinVar:

NM_032242.4(PLXNA1):c.5231+5T>C

Gene: PLXNA1 (plexin A1; plus strand). Cytogenetic location: 3q21.3.
Variant type: single nucleotide variant.
Coding change: c.5231+5T>C on transcript NM_032242.4 (MANE Select); 5 bases into the intron after coding-DNA position 5231, T replaced by C.
Molecular consequence: intron variant.
Genome position (GRCh38, 1-based): chr3:127,030,417, T>C. VCF-style: chr3-127030417-T-C. GRCh37 (hg19) VCF-style: chr3-126749260-T-C.
Identifiers: ClinVar variation 3352045 (VCV003352045.1).
Genomic context (GRCh38, chr3:127,030,417, plus strand): 5'-GCCGACAAGCACCAGATCCACGATGCTGACGTGCGCCACACCTGGAAGAGCAACTGGTAA[T>C]GCAGGGCAGGGGGAGGAGGGGCATCCCCCAGGGCCAGGCCAGATGTGTTCCCAGGGCCCT-3'

ClinVar aggregate classification (germline): Likely benign (0 of 4 stars; one submission).

Conditions:
PLXNA1-related disorder. Also called: PLXNA1-related condition.

Submission:

PreventionGenetics, part of Exact Sciences
Classification: Likely benign for PLXNA1-related condition. Last evaluated: 2024-03-05. Review status: no assertion criteria provided. Collection method: clinical testing. Allele origin: germline.
Comment: This variant is classified as likely benign based on ACMG/AMP sequence variant interpretation guidelines (Richards et al. 2015 PMID: 25741868, with internal and published modifications).